The following is an entry in ClinVar:

NM_006393.3(NEBL):c.1008+15G>A

Gene: NEBL (nebulette; minus strand). Cytogenetic location: 10p12.31.
Variant type: single nucleotide variant.
Coding change: c.1008+15G>A on transcript NM_006393.3 (MANE Select); 15 bases into the intron after coding-DNA position 1008, G replaced by A.
Molecular consequence: intron variant.
Genome position (GRCh38, 1-based): chr10:20,852,530, C>T on the plus strand (G>A on the coding strand, the complement: NEBL is on the minus strand). VCF-style: chr10-20852530-C-T. GRCh37 (hg19) VCF-style: chr10-21141459-C-T.
Other names: c.250-39590G>A (NM_001377326.1, NM_001377327.1, NM_001377328.1); c.358-39590G>A (NM_213569.2, NM_001173484.2, NM_001377322.1); c.301-39590G>A (NM_001377324.1); c.292-39590G>A (NM_001377325.1); c.310-39590G>A (NM_001377323.1).
Identifiers: ClinVar variation 178099 (VCV000178099.10), dbSNP rs375728589, ClinGen allele CA181401.

ClinVar aggregate classification (germline): Likely benign. Review status: criteria provided, multiple submitters, no conflicts (2 of 4 stars). 3 submissions from 3 submitters: Likely benign (3). Last evaluated 2025-10-01.

Conditions:
Primary dilated cardiomyopathy (DCM). Also called: Dilated Cardiomyopathy. Identifiers: Orphanet 217604, MedGen C0007193, MeSH D002311, MONDO:0005021, HP:0001644. Inheritance: Various modes of inheritance.

Allele frequency attached by ClinVar (database versions not stated): gnomAD 0.00004 and 0.00006; ExAC 0.00005; TOPMed 0.00006; ESP Exome Variant Server 0.00008.
gnomAD v4.1: 188 of 1,589,140 alleles (0.012%); highest among the groups gnomAD compares: Middle Eastern, 0.017%; 1 homozygote.

Submissions (3):

Labcorp Genetics (formerly Invitae), Labcorp
Classification: Likely benign for Primary dilated cardiomyopathy. Last evaluated: 2025-10-01. Review status: criteria provided, single submitter. Criteria: Invitae Variant Classification Sherloc (09022015). Collection method: clinical testing. Allele origin: germline.

GeneDx
Classification: Likely benign. Last evaluated: 2017-08-23. Review status: criteria provided, single submitter. Criteria: GeneDx Variant Classification (06012015). Collection method: clinical testing. Allele origin: germline. Affected: yes.
Comment: This variant is considered likely benign or benign based on one or more of the following criteria: it is a conservative change, it occurs at a poorly conserved position in the protein, it is predicted to be benign by multiple in silico algorithms, and/or has population frequency not consistent with disease.

Laboratory for Molecular Medicine, Mass General Brigham Personalized Medicine
Classification: Likely benign. Last evaluated: 2012-03-19. Review status: criteria provided, single submitter. Criteria: LMM Criteria. Collection method: clinical testing. Allele origin: germline. Observed: 1 variant allele.
Comment: c.1008+15G>A in Intron 10 of NEBL: This variant is not expected to have clinical significance because it is not located within the splice consensus sequence. It has been identified in 1/7020 European American chromosomes from a broad popula tion by the NHLBI Exome Sequencing Project (rs3 75728589).